The following is an entry in ClinVar:

NM_005422.4(TECTA):c.5808C>T (p.Leu1936=)

Genes: TBCEL-TECTA (TBCEL-TECTA readthrough; plus strand), TECTA (tectorin alpha; plus strand). Cytogenetic location: 11q23.3.
Variant type: single nucleotide variant.
Coding change: c.5808C>T on transcript NM_005422.4 (MANE Select); coding-DNA position 5808, C replaced by T.
Protein change: p.Leu1936=; no amino-acid change (leucine 1936 retained).
Molecular consequence: synonymous variant.
Genome position (GRCh38, 1-based): chr11:121,168,734, C>T. VCF-style: chr11-121168734-C-T. GRCh37 (hg19) VCF-style: chr11-121039443-C-T.
Other names: c.6750C>T, p.Leu2250= (NM_001378761.1).
Identifiers: ClinVar variation 228002 (VCV000228002.16), dbSNP rs377039794, ClinGen allele CA6327824.
Genomic context (GRCh38, chr11:121,168,734, plus strand): 5'-TAGTGTAATTAACCTGACAGTTCCAACCCAAGAAGGCAGCTTCATCACCAAGATGGCTCT[C>T]TACAAAAACGCCTCCTACAAACATCCTTACCGCCAGGGTGAAGTAGTGTTGACGACTCGA-3'
Protein context (NP_005413.2, residues 1926-1946): QEGSFITKMA[Leu1936=]YKNASYKHPY

ClinVar aggregate classification (germline): Conflicting classifications of pathogenicity. Review status: criteria provided, conflicting classifications (1 of 4 stars). 5 submissions from 4 submitters: Uncertain significance (2); Likely benign (3). Last evaluated 2025-10-02.

Conditions:
Autosomal recessive nonsyndromic hearing loss 21. Identifiers: Orphanet 90636, MedGen C1863655, MONDO:0011351, OMIM 603629.
Autosomal dominant nonsyndromic hearing loss 12. Also called: DEAFNESS, AUTOSOMAL DOMINANT 8. Identifiers: Orphanet 90635, MedGen C1832187, MONDO:0011102, OMIM 601543.

Allele frequency attached by ClinVar (database versions not stated): gnomAD 0.00003 and 0.00004; gnomAD exomes 0.00003; TOPMed 0.00003; ESP Exome Variant Server 0.00008.
gnomAD v4.1: 55 of 1,614,212 alleles (0.0034%); highest among the groups gnomAD compares: Middle Eastern, 0.23%; no homozygotes.

Submissions (5):

Labcorp Genetics (formerly Invitae), Labcorp
Classification: Likely benign. Last evaluated: 2025-10-02. Review status: criteria provided, single submitter. Criteria: Invitae Variant Classification Sherloc (09022015). Collection method: clinical testing. Allele origin: germline.

Blueprint Genetics
Classification: Likely benign. Last evaluated: 2024-09-09. Review status: criteria provided, single submitter. Criteria: ACMG Guidelines, 2015. Collection method: clinical testing. Allele origin: germline.

Illumina Laboratory Services, Illumina
Classification: Uncertain significance for Autosomal dominant nonsyndromic hearing loss 12. Last evaluated: 2018-01-13. Review status: criteria provided, single submitter. Criteria: ICSL Variant Classification Criteria 13 December 2019. Collection method: clinical testing. Allele origin: germline.

Illumina Laboratory Services, Illumina
Classification: Uncertain significance for Autosomal recessive nonsyndromic hearing loss 21. Last evaluated: 2018-01-13. Review status: criteria provided, single submitter. Criteria: ICSL Variant Classification Criteria 13 December 2019. Collection method: clinical testing. Allele origin: germline.

Laboratory for Molecular Medicine, Mass General Brigham Personalized Medicine
Classification: Likely benign. Last evaluated: 2012-04-30. Review status: criteria provided, single submitter. Criteria: LMM Criteria. Collection method: clinical testing. Allele origin: germline. Observed: 3 variant alleles.
Comment: p.Leu1936Leu in exon 19 of TECTA: This variant is not expected to have clinical significance because it does not alter an amino acid residue, is not located wit hin the splice consensus sequence, and has been identified in 4/66740 European c hromosomes by the Exome Aggregation Consortium (rs377039794).